The following is an entry in ClinVar:

NM_001845.6(COL4A1):c.2708G>A (p.Gly903Asp)

Gene: COL4A1 (collagen type IV alpha 1 chain; minus strand). Cytogenetic location: 13q34.
Variant type: single nucleotide variant.
Coding change: c.2708G>A on transcript NM_001845.6 (MANE Select); coding-DNA position 2708, G replaced by A.
Protein change: p.Gly903Asp; replaces glycine 903 with aspartic acid.
Molecular consequence: missense variant.
Genome position (GRCh38, 1-based): chr13:110,177,850, C>T on the plus strand (G>A on the coding strand, the complement: COL4A1 is on the minus strand). VCF-style: chr13-110177850-C-T. GRCh37 (hg19) VCF-style: chr13-110830197-C-T.
Other names: short protein forms G903D.
Identifiers: ClinVar variation 1708500 (VCV001708500.4), dbSNP rs2501779394, ClinGen allele CA388667387.

ClinVar aggregate classification (germline): Likely pathogenic. Review status: criteria provided, multiple submitters, no conflicts (2 of 4 stars). 2 submissions from 2 submitters: Likely pathogenic (2). Last evaluated 2024-03-04.

Conditions:
Brain small vessel disease 1 with or without ocular anomalies (BSVD1). Also called: PORENCEPHALY, TYPE 1, AUTOSOMAL DOMINANT; BRAIN SMALL VESSEL DISEASE WITH HEMORRHAGE; GOULD SYNDROME 1; Brain small vessel disease with or without ocular anomalies. Identifiers: Orphanet 2940, Orphanet 36383, Orphanet 99810, MedGen C4755307, MONDO:0008289, OMIM 175780.

Submissions (2):

MVZ Medizinische Genetik Mainz
Classification: Likely pathogenic for Brain small vessel disease 1 with or without ocular anomalies. Last evaluated: 2024-03-04. Review status: criteria provided, single submitter. Criteria: UK Practice Guidelines For Variant Classification V4 01 2020. Collection method: clinical testing. Allele origin: germline. Inheritance: Autosomal dominant inheritance. Affected: yes. Observed: 1 variant allele.
Comment: ACMG Criteria: PM1_STR,PS4_SUP,PM2_SUP,PM5_SUP

Institute for Medical Genetics and Human Genetics, Charité - Universitätsmedizin Berlin
Classification: Likely pathogenic for Brain small vessel disease 1 with or without ocular anomalies. Last evaluated: 2022-09-27. Review status: criteria provided, single submitter. Criteria: ACMG Guidelines, 2015. Collection method: clinical testing. Allele origin: germline. Inheritance: Autosomal dominant inheritance. Affected: yes. Observed: 1 heterozygote.